The following is an entry in ClinVar:

ClinVar aggregate classification (germline): Uncertain significance (1 of 4 stars; one submission).

Submission:

Labcorp Genetics (formerly Invitae), Labcorp
Classification: Uncertain significance. Last evaluated: 2023-11-01. Review status: criteria provided, single submitter. Criteria: Invitae Variant Classification Sherloc (09022015). Collection method: clinical testing. Allele origin: germline.
Comment: This sequence change creates a premature translational stop signal (p.Val460Argfs*33) in the GSN gene. It is expected to result in an absent or disrupted protein product. However, the current clinical and genetic evidence is not sufficient to establish whether loss-of-function variants in GSN cause disease. This variant is not present in population databases (gnomAD no frequency). This variant has not been reported in the literature in individuals affected with GSN-related conditions. In summary, the available evidence is currently insufficient to determine the role of this variant in disease. Therefore, it has been classified as a Variant of Uncertain Significance.

NM_198252.3(GSN):c.1224dup (p.Val409fs)

Gene: GSN (gelsolin; plus strand). Cytogenetic location: 9q33.2.
Variant type: Duplication.
Coding change: c.1224dup on transcript NM_198252.3 (MANE Select); coding-DNA position 1224, one base duplicated (C; older notation c.1224dupC).
Protein change: p.Val409fs; shifts the reading frame from valine 409.
Molecular consequence: frameshift variant.
Genome position (GRCh38, 1-based): chr9:121,321,300, C duplicated; the last of 3 consecutive C bases (chr9:121,321,298-121,321,300); duplicating any one gives the same sequence. VCF-style (leftmost placement, unchanged base first): chr9-121321297-G-GC. GRCh37 (hg19) VCF-style: chr9-124083575-G-GC.
Other names: c.1377dup, p.Val460fs (NM_000177.5); c.1224dup, p.Val409fs (NM_001127662.2, NM_001127664.2, NM_001127665.2 and 10 more transcripts); c.1332dup, p.Val445fs (NM_001127663.2); c.1257dup, p.Val420fs (NM_001127666.2, NM_001127667.2, NM_001353063.2 and 13 more transcripts); c.1275dup, p.Val426fs (NM_001258029.2); c.1248dup, p.Val417fs (NM_001258030.2); c.1296dup, p.Val433fs (NM_001353076.2); c.570dup, p.Val191fs (NM_001353078.2); short protein forms V409fs, V417fs, V191fs, V420fs, V426fs, V433fs, V445fs, V460fs.
Identifiers: ClinVar variation 2769075 (VCV002769075.3), dbSNP rs2541039917, ClinGen allele CA2697558019.